The following is an entry in ClinVar:

NM_178471.3(GPR119):c.141G>A (p.Leu47=)

Gene: GPR119 (G protein-coupled receptor 119; minus strand). Cytogenetic location: Xq26.1.
Variant type: single nucleotide variant.
Coding change: c.141G>A on transcript NM_178471.3 (MANE Select); coding-DNA position 141, G replaced by A.
Protein change: p.Leu47=; no amino-acid change (leucine 47 retained).
Molecular consequence: synonymous variant.
Genome position (GRCh38, 1-based): chrX:130,385,307, C>T on the plus strand (G>A on the coding strand, the complement: GPR119 is on the minus strand). VCF-style: chrX-130385307-C-T. GRCh37 (hg19) VCF-style: chrX-129519281-C-T.
Identifiers: ClinVar variation 2661438 (VCV002661438.24), dbSNP rs143653619, ClinGen allele CA10516399.

ClinVar aggregate classification (germline): Likely benign (1 of 4 stars; one submission).

Allele frequency attached by ClinVar (database versions not stated): gnomAD 0.00018; gnomAD exomes 0.00018; ESP Exome Variant Server 0.00019; TOPMed 0.00022; ExAC 0.00027.
gnomAD v4.1: 239 of 1,210,623 alleles (0.02%); highest among the groups gnomAD compares: Middle Eastern, 0.092%; no homozygotes.

Submission:

CeGaT Center for Human Genetics Tuebingen
Classification: Likely benign. Last evaluated: 2022-11-01. Review status: criteria provided, single submitter. Criteria: CeGaT Center For Human Genetics Tuebingen Variant Classification Criteria Version 2. Collection method: clinical testing. Allele origin: germline. Affected: yes. Observed: 1 variant allele.
Comment: GPR119: BP4, BS2